The following is an entry in ClinVar:

NM_001298.3(CNGA3):c.1070A>G (p.Tyr357Cys)

Gene: CNGA3 (cyclic nucleotide gated channel subunit alpha 3; plus strand). Cytogenetic location: 2q11.2.
Variant type: single nucleotide variant.
Coding change: c.1070A>G on transcript NM_001298.3 (MANE Select); coding-DNA position 1070, A replaced by G.
Protein change: p.Tyr357Cys; replaces tyrosine 357 with cysteine.
Molecular consequence: missense variant.
Genome position (GRCh38, 1-based): chr2:98,396,240, A>G. VCF-style: chr2-98396240-A-G. GRCh37 (hg19) VCF-style: chr2-99012703-A-G.
Other names: c.1016A>G, p.Tyr339Cys (NM_001079878.2); c.1070A>G (NM_001298.2); short protein forms Y339C, Y357C.
Identifiers: ClinVar variation 2734251 (VCV002734251.5), dbSNP rs2467029021, ClinGen allele CA347832766.
Genomic context (GRCh38, chr2:98,396,240, plus strand): 5'-ACCCAAACATCTCAATCCCAGAGCATGGGCGCCTCTCCAGGAAGTACATTTACAGTCTCT[A>G]CTGGTCCACCTTGACCCTTACCACCATTGGTGAGACCCCACCCCCCGTGAAAGATGAGGA-3'
Protein context (NP_001289.1, residues 347-367): RLSRKYIYSL[Tyr357Cys]WSTLTLTTIG

ClinVar aggregate classification (germline): Pathogenic/Likely pathogenic. Review status: criteria provided, multiple submitters, no conflicts (2 of 4 stars). 3 submissions from 3 submitters: Pathogenic (2); Likely pathogenic (1). Last evaluated 2025-01-18.

Conditions:
CNGA3-related disorders.
CNGA3-related disorder. Also called: CNGA3-related condition.

Allele frequency attached by ClinVar (database versions not stated): gnomAD exomes 0.00001.
gnomAD v4.1: 10 of 1,614,088 alleles (0.00062%); highest among the groups gnomAD compares: Non-Finnish European, 0.00085%; no homozygotes.

Submissions (3):

PreventionGenetics, part of Exact Sciences
Classification: Likely pathogenic for CNGA3-related condition. Last evaluated: 2025-01-18. Review status: criteria provided, single submitter. Criteria: ACMG Guidelines, 2015. Collection method: clinical testing. Allele origin: germline.
Comment: The CNGA3 c.1070A>G variant is predicted to result in the amino acid substitution p.Tyr357Cys. This variant has been reported in the compound heterozygous state in an individual with oligocone trichromacy (Vincent et al. 2011. PubMed ID: 21268679), and an individual with achromatopsia (Greenberg et al. 2014. PubMed ID: 24504161). This variant has not been reported in a large population database (gnomAD), indicating this variant is rare. This variant is interpreted as likely pathogenic.

Labcorp Genetics (formerly Invitae), Labcorp
Classification: Pathogenic. Last evaluated: 2023-08-14. Review status: criteria provided, single submitter. Criteria: Invitae Variant Classification Sherloc (09022015). Collection method: clinical testing. Allele origin: germline.
Comment: This sequence change replaces tyrosine, which is neutral and polar, with cysteine, which is neutral and slightly polar, at codon 357 of the CNGA3 protein (p.Tyr357Cys). This variant is not present in population databases (gnomAD no frequency). This missense change has been observed in individual(s) with achromatopsia (PMID: 21268679, 24504161, 24676353). In at least one individual the data is consistent with being in trans (on the opposite chromosome) from a pathogenic variant. Advanced modeling of protein sequence and biophysical properties (such as structural, functional, and spatial information, amino acid conservation, physicochemical variation, residue mobility, and thermodynamic stability) performed at Invitae indicates that this missense variant is expected to disrupt CNGA3 protein function. For these reasons, this variant has been classified as Pathogenic.

Blueprint Genetics
Classification: Pathogenic for CNGA3-related disorders. Last evaluated: 2022-02-14. Review status: criteria provided, single submitter. Criteria: ACMG Guidelines, 2015. Collection method: clinical testing. Allele origin: germline. Affected: yes. Observed: 1 variant allele.

Literature cited by the submitters: PubMed 21268679 (cited by Labcorp Genetics (formerly Invitae), Labcorp); PubMed 24504161 (cited by Labcorp Genetics (formerly Invitae), Labcorp); PubMed 24676353 (cited by Labcorp Genetics (formerly Invitae), Labcorp).